The following is an entry in ClinVar:

ClinVar aggregate classification (germline): Benign. Review status: criteria provided, multiple submitters, no conflicts (2 of 4 stars). 3 submissions from 3 submitters: Benign (2). 1 of the submissions does not count toward it. Last evaluated 2026-01-08.

Conditions:
SUN1-related disorder. Also called: SUN1-related condition.
Emery-Dreifuss muscular dystrophy (EDMD). Also called: Scapuloperoneal syndrome, X-linked (formerly); Humeroperoneal neuromuscular disease, (formerly). Identifiers: Orphanet 261, MedGen C0410189, MONDO:0016830.

Allele frequency attached by ClinVar (database versions not stated): gnomAD exomes 0.00154 and 0.00350; ExAC 0.00423; ESP Exome Variant Server 0.01205; gnomAD 0.01409 and 0.01508; TOPMed 0.01643; 1000 Genomes Project 0.01817; 1000 Genomes Project 30x 0.01936.
gnomAD v4.1: 4,520 of 1,614,168 alleles (0.28%); highest among the groups gnomAD compares: African/African-American, 4.9%; 104 homozygotes.

Submissions (3):

Labcorp Genetics (formerly Invitae), Labcorp
Classification: Benign for Emery-Dreifuss muscular dystrophy. Last evaluated: 2026-01-08. Review status: criteria provided, single submitter. Criteria: Invitae Variant Classification Sherloc (09022015). Collection method: clinical testing. Allele origin: germline.

Mayo Clinic Laboratories, Mayo Clinic
Classification: Benign. Last evaluated: 2023-01-12. Review status: criteria provided, single submitter. Criteria: ACMG Guidelines, 2015. Collection method: clinical testing. Allele origin: germline. Observed: 3 variant alleles.
Comment: BS1, BS2

PreventionGenetics, part of Exact Sciences
Classification: Benign for SUN1-related condition. Last evaluated: 2019-04-02. Review status: no assertion criteria provided. Collection method: clinical testing. Allele origin: germline. Not counted in ClinVar's aggregate classification.
Comment: This variant is classified as benign based on ACMG/AMP sequence variant interpretation guidelines (Richards et al. 2015 PMID: 25741868, with internal and published modifications).

NM_001130965.3(SUN1):c.278A>C (p.Gln93Pro)

Gene: SUN1 (Sad1 and UNC84 domain containing 1; plus strand). Cytogenetic location: 7p22.3.
Variant type: single nucleotide variant.
Coding change: c.278A>C on transcript NM_001130965.3 (MANE Select); coding-DNA position 278, A replaced by C.
Protein change: p.Gln93Pro; replaces glutamine 93 with proline.
Molecular consequence: missense variant. On other transcripts: 5 prime UTR variant (4), non-coding transcript variant (3).
Genome position (GRCh38, 1-based): chr7:841,957, A>C. VCF-style: chr7-841957-A-C. GRCh37 (hg19) VCF-style: chr7-881594-A-C.
Other names: p.Gln93Pro; c.128A>C, p.Gln43Pro (NM_001367701.1, NM_001367706.1, NM_001367636.1 and 24 more transcripts); c.278A>C, p.Gln93Pro (NM_001367702.1, NM_001171944.2, NM_001367703.1 and 34 more transcripts); c.341A>C, p.Gln114Pro (NM_001171945.2); c.-180A>C (NM_001367635.1); c.-290A>C (NM_001367708.1, NM_001367639.1); c.497A>C, p.Gln166Pro (NM_001367651.1); c.-484A>C (NM_001367658.1); and 1 more; short protein forms Q93P, Q166P, Q114P, Q30P, Q43P.
Identifiers: ClinVar variation 461658 (VCV000461658.16), dbSNP rs78842948, ClinGen allele CA4111461.